The following is an entry in ClinVar:

ClinVar aggregate classification (germline): Uncertain significance. Review status: criteria provided, multiple submitters, no conflicts (2 of 4 stars). 2 submissions from 2 submitters: Uncertain significance (2). Last evaluated 2024-02-21.

Conditions:
Inborn genetic diseases. Identifiers: MedGen C0950123, MeSH D030342.

Allele frequency attached by ClinVar (database versions not stated): gnomAD exomes below 0.00001.
gnomAD v4.1: 1 of 1,614,130 alleles (0.000062%); highest among the groups gnomAD compares: South Asian, 0.0011%; no homozygotes.

Submissions (2):

Ambry Genetics
Classification: Uncertain significance for Inborn genetic diseases. Last evaluated: 2024-02-21. Review status: criteria provided, single submitter. Criteria: Ambry Variant Classification Scheme 2023. Collection method: clinical testing. Allele origin: germline.

Labcorp Genetics (formerly Invitae), Labcorp
Classification: Uncertain significance. Last evaluated: 2024-02-17. Review status: criteria provided, single submitter. Criteria: Invitae Variant Classification Sherloc (09022015). Collection method: clinical testing. Allele origin: germline.
Comment: This sequence change replaces alanine, which is neutral and non-polar, with valine, which is neutral and non-polar, at codon 850 of the FLNB protein (p.Ala850Val). This variant is not present in population databases (gnomAD no frequency). This variant has not been reported in the literature in individuals affected with FLNB-related conditions. Advanced modeling of protein sequence and biophysical properties (such as structural, functional, and spatial information, amino acid conservation, physicochemical variation, residue mobility, and thermodynamic stability) performed at Invitae indicates that this missense variant is not expected to disrupt FLNB protein function with a negative predictive value of 95%. In summary, the available evidence is currently insufficient to determine the role of this variant in disease. Therefore, it has been classified as a Variant of Uncertain Significance.

NM_001457.4(FLNB):c.2549C>T (p.Ala850Val)

Genes: FLNB (filamin B; plus strand), LOC129936935 (ATAC-STARR-seq lymphoblastoid active region 19999; plus strand). Cytogenetic location: 3p14.3.
Variant type: single nucleotide variant.
Coding change: c.2549C>T on transcript NM_001457.4 (MANE Select); coding-DNA position 2549, C replaced by T.
Protein change: p.Ala850Val; replaces alanine 850 with valine.
Molecular consequence: missense variant.
Genome position (GRCh38, 1-based): chr3:58,111,855, C>T. VCF-style: chr3-58111855-C-T. GRCh37 (hg19) VCF-style: chr3-58097582-C-T.
Other names: c.2549C>T, p.Ala850Val (NM_001164317.2, NM_001164318.2, NM_001164319.2); short protein forms A850V.
Identifiers: ClinVar variation 3095659 (VCV003095659.3), dbSNP rs2471091694, ClinGen allele CA353345670.